The following is an entry in ClinVar:

ClinVar aggregate classification (germline): Benign/Likely benign. Review status: criteria provided, multiple submitters, no conflicts (2 of 4 stars). 4 submissions from 4 submitters: Benign (2); Likely benign (1). 1 of the submissions does not count toward it. Last evaluated 2026-02-02.

Conditions:
Retinal dystrophy. Also called: Inherited retinal dystrophy. Identifiers: Orphanet 71862, MedGen C0854723, MeSH D058499, MONDO:0019118, HP:0000556.
Retinitis pigmentosa 30 (RP30). Identifiers: Orphanet 791, MedGen C1842816, MONDO:0011935, OMIM 607921.
FSCN2-related disorder. Also called: FSCN2-related condition.

Allele frequency attached by ClinVar (database versions not stated): ESP Exome Variant Server 0.00032; TOPMed 0.00045; gnomAD 0.00049 and 0.00085; 1000 Genomes Project 30x 0.00062; 1000 Genomes Project 0.00080; ExAC 0.00467.
gnomAD v4.1: 2,274 of 1,590,372 alleles (0.14%); highest among the groups gnomAD compares: South Asian, 1.3%; 27 homozygotes.

Submissions (4):

Labcorp Genetics (formerly Invitae), Labcorp
Classification: Benign. Last evaluated: 2026-02-02. Review status: criteria provided, single submitter. Criteria: Invitae Variant Classification Sherloc (09022015). Collection method: clinical testing. Allele origin: germline.

ARUP Laboratories, Molecular Genetics and Genomics, ARUP Laboratories
Classification: Likely benign for Retinitis pigmentosa 30. Last evaluated: 2023-11-06. Review status: criteria provided, single submitter. Criteria: ARUP Molecular Germline Variant Investigation Process 2024. Collection method: clinical testing. Allele origin: germline.

Dept Of Ophthalmology, Nagoya University
Classification: Benign for Retinal dystrophy. Last evaluated: 2023-10-01. Review status: criteria provided, single submitter. Criteria: Submitter's publication. Collection method: research. Allele origin: germline. Affected: yes.

PreventionGenetics, part of Exact Sciences
Classification: Benign for FSCN2-related condition. Last evaluated: 2019-06-13. Review status: no assertion criteria provided. Collection method: clinical testing. Allele origin: germline. Not counted in ClinVar's aggregate classification.
Comment: This variant is classified as benign based on ACMG/AMP sequence variant interpretation guidelines (Richards et al. 2015 PMID: 25741868, with internal and published modifications).

NM_012418.4(FSCN2):c.538C>T (p.Arg180Trp)

Gene: FSCN2 (fascin actin-bundling protein 2, retinal; plus strand). Cytogenetic location: 17q25.3.
Variant type: single nucleotide variant.
Coding change: c.538C>T on transcript NM_012418.4 (MANE Select); coding-DNA position 538, C replaced by T.
Protein change: p.Arg180Trp; replaces arginine 180 with tryptophan.
Molecular consequence: missense variant.
Genome position (GRCh38, 1-based): chr17:81,529,069, C>T. VCF-style: chr17-81529069-C-T. GRCh37 (hg19) VCF-style: chr17-79496095-C-T.
Other names: c.538C>T, p.Arg180Trp (NM_001077182.3); short protein forms R180W.
Identifiers: ClinVar variation 618138 (VCV000618138.22), dbSNP rs200332556, ClinGen allele CA8836709.